The following is an entry in ClinVar:

ClinVar aggregate classification (germline): Likely benign. Review status: criteria provided, multiple submitters, no conflicts (2 of 4 stars). 3 submissions from 3 submitters: Likely benign (2). 1 of the submissions does not count toward it. Last evaluated 2026-03-06.

Conditions:
Hereditary cancer-predisposing syndrome. Also called: Tumor predisposition; Neoplastic Syndromes, Hereditary; Hereditary Cancer Syndrome; Hereditary neoplastic syndrome. Identifiers: Orphanet 140162, MedGen C0027672, MeSH D009386, MONDO:0015356.
SMARCA4-related disorder. Also called: SMARCA4-related condition.
Rhabdoid tumor predisposition syndrome 2 (RTPS2). Identifiers: Orphanet 231108, Orphanet 69077, MedGen C2750074, MONDO:0013224, OMIM 613325.

Submissions (3):

Ambry Genetics
Classification: Likely benign for Hereditary cancer-predisposing syndrome. Last evaluated: 2026-03-06. Review status: criteria provided, single submitter. Criteria: Ambry Variant Classification Scheme 2023. Collection method: clinical testing. Allele origin: germline.

Labcorp Genetics (formerly Invitae), Labcorp
Classification: Likely benign for Rhabdoid tumor predisposition syndrome 2. Last evaluated: 2025-01-06. Review status: criteria provided, single submitter. Criteria: Invitae Variant Classification Sherloc (09022015). Collection method: clinical testing. Allele origin: germline.

PreventionGenetics, part of Exact Sciences
Classification: Likely benign for SMARCA4-related condition. Last evaluated: 2024-08-07. Review status: no assertion criteria provided. Collection method: clinical testing. Allele origin: germline. Not counted in ClinVar's aggregate classification.
Comment: This variant is classified as likely benign based on ACMG/AMP sequence variant interpretation guidelines (Richards et al. 2015 PMID: 25741868, with internal and published modifications).

NM_003072.5(SMARCA4):c.2712C>G (p.Pro904=)

Gene: SMARCA4 (SWI/SNF related BAF chromatin remodeling complex subunit ATPase 4; plus strand). Cytogenetic location: 19p13.2.
Variant type: single nucleotide variant.
Coding change: c.2712C>G on transcript NM_003072.5 (MANE Select); coding-DNA position 2712, C replaced by G.
Protein change: p.Pro904=; no amino-acid change (proline 904 retained).
Molecular consequence: synonymous variant. On other transcripts: non-coding transcript variant (1).
Genome position (GRCh38, 1-based): chr19:11,021,820, C>G. VCF-style: chr19-11021820-C-G. GRCh37 (hg19) VCF-style: chr19-11132496-C-G.
Other names: c.2712C>G, p.Pro904= (NM_001128844.3, NM_001128845.2, NM_001128846.2 and 4 more transcripts).
Identifiers: ClinVar variation 729394 (VCV000729394.12), dbSNP rs1600278367, ClinGen allele CA505743566.